The following is an entry in ClinVar:

NM_174936.4(PCSK9):c.156G>A (p.Leu52=)

Gene: PCSK9 (proprotein convertase subtilisin/kexin type 9; plus strand). Cytogenetic location: 1p32.3.
Variant type: single nucleotide variant.
Coding change: c.156G>A on transcript NM_174936.4 (MANE Select); coding-DNA position 156, G replaced by A.
Protein change: p.Leu52=; no amino-acid change (leucine 52 retained).
Molecular consequence: synonymous variant.
Genome position (GRCh38, 1-based): chr1:55,039,993, G>A. VCF-style: chr1-55039993-G-A. GRCh37 (hg19) VCF-style: chr1-55505666-G-A.
Identifiers: ClinVar variation 921063 (VCV000921063.5), dbSNP rs1231649101, ClinGen allele CA417957410.

ClinVar aggregate classification (germline): Likely benign. Review status: criteria provided, multiple submitters, no conflicts (2 of 4 stars). 3 submissions from 3 submitters: Likely benign (3). Last evaluated 2024-05-23.

Conditions:
Familial hypercholesterolemia. Also called: Familial hypercholesterolemias; Familial hypercholesterolaemia. Identifiers: MedGen C0020445, MONDO:0005439.
Hypercholesterolemia, autosomal dominant, 3 (FHCL3). Also called: Familial hypercholesterolemia 3; Familial Hypercholesterolemia, Autosomal Dominant, 3; PCSK9-Related Familial Hypercholesterolemia, Autosomal Dominant. Identifiers: MedGen C1863551, MONDO:0011369, OMIM 603776.

Allele frequency attached by ClinVar (database versions not stated): gnomAD exomes below 0.00001.
gnomAD v4.1: 5 of 1,580,466 alleles (0.00032%); highest among the groups gnomAD compares: Middle Eastern, 0.02%; no homozygotes.

Submissions (3):

Labcorp Genetics (formerly Invitae), Labcorp
Classification: Likely benign for Hypercholesterolemia, autosomal dominant, 3. Last evaluated: 2024-05-23. Review status: criteria provided, single submitter. Criteria: Invitae Variant Classification Sherloc (09022015). Collection method: clinical testing. Allele origin: germline.

All of Us Research Program, National Institutes of Health
Classification: Likely benign for Hypercholesterolemia, autosomal dominant, 3. Last evaluated: 2024-05-14. Review status: criteria provided, single submitter. Criteria: ACMG Guidelines, 2015. Collection method: clinical testing. Allele origin: germline. Inheritance: Autosomal dominant inheritance. Observed: 1 variant allele, 1 heterozygote.
Comment: This study involves interpretation of variants in research participants for the purpose of population health screening. Participant phenotype was not available at the time of variant classification. Additional details can be found in publication PMID: 35346344, PMCID: PMC8962531

Color Diagnostics, LLC DBA Color Health
Classification: Likely benign for Familial hypercholesterolemia. Last evaluated: 2019-08-02. Review status: criteria provided, single submitter. Criteria: ACMG Guidelines, 2015. Collection method: clinical testing. Allele origin: germline.